The following is an entry in ClinVar:

ClinVar aggregate classification (germline): Likely benign (1 of 4 stars; one submission).

Conditions:
Familial apolipoprotein C-II deficiency. Also called: APOC2 DEFICIENCY; C-II ANAPOLIPOPROTEINEMIA; HYPERLIPOPROTEINEMIA, TYPE IB. Identifiers: Orphanet 309020, Orphanet 444490, MedGen C1720779, MONDO:0008810, OMIM 207750.

Allele frequency attached by ClinVar (database versions not stated): 1000 Genomes Project 30x 0.00047; 1000 Genomes Project 0.00060; TOPMed 0.00076; gnomAD 0.00126 and 0.00129; gnomAD exomes 0.00129.
gnomAD v4.1: 983 of 780,960 alleles (0.13%); highest among the groups gnomAD compares: Non-Finnish European, 0.15%; 1 homozygote.

Submission:

Illumina Laboratory Services, Illumina
Classification: Likely benign for Familial apolipoprotein C-II deficiency. Last evaluated: 2018-01-13. Review status: criteria provided, single submitter. Criteria: ICSL Variant Classification Criteria 13 December 2019. Collection method: clinical testing. Allele origin: germline.
Comment: This variant was observed in the ICSL laboratory as part of a predisposition screen in an ostensibly healthy population. It had not been previously curated by ICSL or reported in the Human Gene Mutation Database (HGMD: prior to June 1st, 2018), and was therefore a candidate for classification through an automated scoring system. Utilizing variant allele frequency, disease prevalence and penetrance estimates, and inheritance mode, an automated score was calculated to assess if this variant is too frequent to cause the disease. Based on the score and internal cut-off values, a variant classified as likely benign is not then subjected to further curation. The score for this variant resulted in a classification of likely benign for this disease.

NM_000483.5(APOC2):c.*116T>C

Genes: APOC2 (apolipoprotein C2; plus strand), APOC4-APOC2 (APOC4-APOC2 readthrough (NMD candidate); plus strand). Cytogenetic location: 19q13.32.
Variant type: single nucleotide variant.
Coding change: c.*116T>C on transcript NM_000483.5 (MANE Select); 116 bases downstream of the stop codon, T replaced by C.
Molecular consequence: 3 prime UTR variant. On other transcripts: non-coding transcript variant (1).
Genome position (GRCh38, 1-based): chr19:44,949,365, T>C. VCF-style: chr19-44949365-T-C. GRCh37 (hg19) VCF-style: chr19-45452622-T-C.
Identifiers: ClinVar variation 329458 (VCV000329458.5), dbSNP rs537917972, ClinGen allele CA10648771.